The following is an entry in ClinVar:

ClinVar aggregate classification (germline): Benign (3 of 4 stars; one submission).

Conditions:
Lynch syndrome. Identifiers: Orphanet 144, MedGen C4552100, MONDO:0005835. Disease mechanism: loss of function.

Allele frequency attached by ClinVar (database versions not stated): 1000 Genomes Project 30x 0.15974; 1000 Genomes Project 0.15615; TOPMed 0.16073; gnomAD 0.16225 and 0.16495.

Submission:

International Society for Gastrointestinal Hereditary Tumours (InSiGHT)
Classification: Benign for Lynch Syndrome. Last evaluated: 2013-09-05. Review status: reviewed by expert panel. Criteria: Guidelines v1.9. Collection method: research. Allele origin: germline.
Comment: MAF >1%

Classified with v1.9 guidelines
ClinVar note: Converted during submission from no known pathogenicity to Benign.

NM_000535.5(PMS2):c.-154C>G

Gene: PMS2 (PMS1 homolog 2, mismatch repair system component; minus strand). Cytogenetic location: 7p22.1.
Variant type: single nucleotide variant.
Coding change: c.-154C>G on transcript NM_000535.5; 154 bases upstream of the start codon, C replaced by G.
Genome position (GRCh38, 1-based): chr7:6,009,173, G>C on the plus strand (C>G on the coding strand, the complement: PMS2 is on the minus strand). VCF-style: chr7-6009173-G-C. GRCh37 (hg19) VCF-style: chr7-6048804-G-C.
Identifiers: ClinVar variation 91280 (VCV000091280.5), dbSNP rs3735296, ClinGen allele CA331724.